The following is an entry in ClinVar:

ClinVar aggregate classification (germline): Likely benign (1 of 4 stars; one submission).

Allele frequency attached by ClinVar (database versions not stated): gnomAD exomes below 0.00001; TOPMed 0.00001.
gnomAD v4.1: 5 of 1,469,356 alleles (0.00034%); highest among the groups gnomAD compares: East Asian, 0.0047%; no homozygotes.

Submission:

CeGaT Center for Human Genetics Tuebingen
Classification: Likely benign. Last evaluated: 2023-04-01. Review status: criteria provided, single submitter. Criteria: CeGaT Center For Human Genetics Tuebingen Variant Classification Criteria Version 2. Collection method: clinical testing. Allele origin: germline. Affected: yes. Observed: 1 variant allele.
Comment: TNRC6B: BP4, BP7

NM_001162501.2(TNRC6B):c.426G>A (p.Ala142=)

Gene: TNRC6B (trinucleotide repeat containing adaptor 6B; plus strand). Cytogenetic location: 22q13.1.
Variant type: single nucleotide variant.
Coding change: c.426G>A on transcript NM_001162501.2 (MANE Select); coding-DNA position 426, G replaced by A.
Protein change: p.Ala142=; no amino-acid change (alanine 142 retained).
Molecular consequence: synonymous variant.
Genome position (GRCh38, 1-based): chr22:40,262,142, G>A. VCF-style: chr22-40262142-G-A. GRCh37 (hg19) VCF-style: chr22-40658146-G-A.
Other names: c.534G>A, p.Ala178= (NM_001024843.2); c.426G>A, p.Ala142= (NM_015088.3).
Identifiers: ClinVar variation 2571161 (VCV002571161.27), dbSNP rs771353369, ClinGen allele CA10246503.